The following is an entry in ClinVar:

NM_001148.6(ANK2):c.10595T>A (p.Ile3532Asn)

Gene: ANK2 (ankyrin 2; plus strand). Cytogenetic location: 4q26.
Variant type: single nucleotide variant.
Coding change: c.10595T>A on transcript NM_001148.6 (MANE Select); coding-DNA position 10595, T replaced by A.
Protein change: p.Ile3532Asn; replaces isoleucine 3532 with asparagine.
Molecular consequence: missense variant. On other transcripts: intron variant (68).
Genome position (GRCh38, 1-based): chr4:113,359,213, T>A. VCF-style: chr4-113359213-T-A. GRCh37 (hg19) VCF-style: chr4-114280369-T-A.
Other names: c.10361T>A, p.Ile3454Asn (NM_001386142.1); c.6995T>A, p.Ile2332Asn (NM_001386166.1); c.10736T>A, p.Ile3579Asn (NM_001386174.1); c.10712T>A, p.Ile3571Asn (NM_001386175.1); c.4412-1610T>A (NM_001386186.2, NM_001386148.2); c.4214-1610T>A (NM_001354269.3); c.4292-1610T>A (NM_001386187.2); c.4253-1610T>A (NM_001386147.1); and 35 more; short protein forms I3579N, I2332N, I3532N, I3454N, I3571N.
Identifiers: ClinVar variation 1444450 (VCV001444450.6), dbSNP rs2154031469, ClinGen allele CA357940768.

ClinVar aggregate classification (germline): Uncertain significance (1 of 4 stars; one submission).

Conditions:
Long QT syndrome (LQTS). Identifiers: MedGen C0023976, MeSH D008133, MONDO:0002442. Disease mechanism: loss of function. Inheritance: Various modes of inheritance.

Submission:

Labcorp Genetics (formerly Invitae), Labcorp
Classification: Uncertain significance for Long QT syndrome. Last evaluated: 2024-01-15. Review status: criteria provided, single submitter. Criteria: Invitae Variant Classification Sherloc (09022015). Collection method: clinical testing. Allele origin: germline.
Comment: This sequence change replaces isoleucine, which is neutral and non-polar, with asparagine, which is neutral and polar, at codon 3532 of the ANK2 protein (p.Ile3532Asn). This variant is not present in population databases (gnomAD no frequency). This variant has not been reported in the literature in individuals affected with ANK2-related conditions. ClinVar contains an entry for this variant (Variation ID: 1444450). An algorithm developed to predict the effect of missense changes on protein structure and function (PolyPhen-2) suggests that this variant is likely to be disruptive. In summary, the available evidence is currently insufficient to determine the role of this variant in disease. Therefore, it has been classified as a Variant of Uncertain Significance.